The following is an entry in ClinVar:

NM_032492.4(JAGN1):c.74T>C (p.Met25Thr)

Gene: JAGN1 (jagunal vesicle mediated transporter 1; plus strand). Cytogenetic location: 3p25.3.
Variant type: single nucleotide variant.
Coding change: c.74T>C on transcript NM_032492.4 (MANE Select); coding-DNA position 74, T replaced by C.
Protein change: p.Met25Thr; replaces methionine 25 with threonine.
Molecular consequence: missense variant. On other transcripts: 5 prime UTR variant (1).
Genome position (GRCh38, 1-based): chr3:9,890,796, T>C. VCF-style: chr3-9890796-T-C. GRCh37 (hg19) VCF-style: chr3-9932480-T-C.
Other names: p.Met25Thr; c.-195T>C (NM_001363890.1); short protein forms M25T.
Identifiers: ClinVar variation 2076435 (VCV002076435.4), dbSNP rs945392170, ClinGen allele CA69984372.

ClinVar aggregate classification (germline): Uncertain significance. Review status: criteria provided, multiple submitters, no conflicts (2 of 4 stars). 2 submissions from 2 submitters: Uncertain significance (2). Last evaluated 2024-11-11.

Conditions:
Autosomal recessive severe congenital neutropenia due to JAGN1 deficiency. Also called: Severe congenital neutropenia 6, autosomal recessive. Identifiers: Orphanet 423384, MedGen C4014954, MONDO:0014456, OMIM 616022.

Allele frequency attached by ClinVar (database versions not stated): gnomAD exomes 0.00001; gnomAD 0.00003.

Submissions (2):

Labcorp Genetics (formerly Invitae), Labcorp
Classification: Uncertain significance for Autosomal recessive severe congenital neutropenia due to JAGN1 deficiency. Last evaluated: 2024-11-11. Review status: criteria provided, single submitter. Criteria: Invitae Variant Classification Sherloc (09022015). Collection method: clinical testing. Allele origin: germline.
Comment: This sequence change replaces methionine, which is neutral and non-polar, with threonine, which is neutral and polar, at codon 25 of the JAGN1 protein (p.Met25Thr). This variant is not present in population databases (gnomAD no frequency). This variant has not been reported in the literature in individuals affected with JAGN1-related conditions. ClinVar contains an entry for this variant (Variation ID: 2076435). An algorithm developed to predict the effect of missense changes on protein structure and function outputs the following: PolyPhen-2: "Benign". The threonine amino acid residue is found in multiple mammalian species, which suggests that this missense change does not adversely affect protein function. In summary, the available evidence is currently insufficient to determine the role of this variant in disease. Therefore, it has been classified as a Variant of Uncertain Significance.

Mayo Clinic Laboratories, Mayo Clinic
Classification: Uncertain significance. Last evaluated: 2024-07-09. Review status: criteria provided, single submitter. Criteria: ACMG Guidelines, 2015. Collection method: clinical testing. Allele origin: germline. Observed: 1 variant allele.
Comment: BP4, PM2